The following is an entry in ClinVar:

ClinVar aggregate classification (germline): Uncertain significance (1 of 4 stars; one submission).

Allele frequency attached by ClinVar (database versions not stated): ExAC 0.00001; gnomAD exomes 0.00001.
gnomAD v4.1: 7 of 1,613,912 alleles (0.00043%); highest among the groups gnomAD compares: Non-Finnish European, 0.00059%; no homozygotes.

Submission:

Labcorp Genetics (formerly Invitae), Labcorp
Classification: Uncertain significance. Last evaluated: 2022-07-06. Review status: criteria provided, single submitter. Criteria: Invitae Variant Classification Sherloc (09022015). Collection method: clinical testing. Allele origin: germline.
Comment: This sequence change replaces methionine, which is neutral and non-polar, with threonine, which is neutral and polar, at codon 217 of the ATPAF2 protein (p.Met217Thr). In summary, the available evidence is currently insufficient to determine the role of this variant in disease. Therefore, it has been classified as a Variant of Uncertain Significance. Algorithms developed to predict the effect of missense changes on protein structure and function are either unavailable or do not agree on the potential impact of this missense change (SIFT: "Deleterious"; PolyPhen-2: "Benign"; Align-GVGD: "Class C15"). This variant has not been reported in the literature in individuals affected with ATPAF2-related conditions. This variant is present in population databases (rs756853598, gnomAD 0.0009%).

NM_145691.4(ATPAF2):c.650T>C (p.Met217Thr)

Gene: ATPAF2 (ATP synthase mitochondrial F1 complex assembly factor 2; minus strand). Cytogenetic location: 17p11.2.
Variant type: single nucleotide variant.
Coding change: c.650T>C on transcript NM_145691.4 (MANE Select); coding-DNA position 650, T replaced by C.
Protein change: p.Met217Thr; replaces methionine 217 with threonine.
Molecular consequence: missense variant.
Genome position (GRCh38, 1-based): chr17:18,021,205, A>G on the plus strand (T>C on the coding strand, the complement: ATPAF2 is on the minus strand). VCF-style: chr17-18021205-A-G. GRCh37 (hg19) VCF-style: chr17-17924519-A-G.
Other names: short protein forms M217T.
Identifiers: ClinVar variation 1918453 (VCV001918453.5), dbSNP rs756853598, ClinGen allele CA8421783.